The following is an entry in ClinVar:

ClinVar aggregate classification (germline): Uncertain significance. Review status: criteria provided, multiple submitters, no conflicts (2 of 4 stars). 2 submissions from 2 submitters: Uncertain significance (2). Last evaluated 2025-10-22.

Conditions:
Familial thoracic aortic aneurysm and aortic dissection (TAAD). Also called: Thoracic aortic aneurysms and dissections. Identifiers: Orphanet 91387, MedGen C4707243, MONDO:0019625.

gnomAD v4.1: 24 of 1,613,098 alleles (0.0015%); highest among the groups gnomAD compares: Non-Finnish European, 0.002%; no homozygotes.

Submissions (2):

Ambry Genetics
Classification: Uncertain significance for Familial thoracic aortic aneurysm and aortic dissection. Last evaluated: 2025-10-22. Review status: criteria provided, single submitter. Criteria: Ambry Variant Classification Scheme 2023. Collection method: clinical testing. Allele origin: germline.
Comment: The p.T1092I variant (also known as c.3275C>T), located in coding exon 25 of the FBN2 gene, results from a C to T substitution at nucleotide position 3275. The threonine at codon 1092 is replaced by isoleucine, an amino acid with similar properties. This amino acid position is highly conserved in available vertebrate species. In addition, this alteration is predicted to be deleterious by in silico analysis. Based on the available evidence, the clinical significance of this variant remains unclear.

GeneDx
Classification: Uncertain significance. Last evaluated: 2023-05-16. Review status: criteria provided, single submitter. Criteria: GeneDx Variant Classification Process June 2021. Collection method: clinical testing. Allele origin: germline. Affected: yes.
Comment: Has not been previously published as pathogenic or benign to our knowledge; Not observed at significant frequency in large population cohorts (gnomAD); Although located in a calcium-binding EGF-like domain of the FBN2 gene, it does not substitute or introduce a cysteine residue (Callewaert et al., 2009; Frederic et al., 2009); In silico analysis supports that this missense variant has a deleterious effect on protein structure/function

NM_001999.4(FBN2):c.3275C>T (p.Thr1092Ile)

Gene: FBN2 (fibrillin 2; minus strand). Cytogenetic location: 5q23.3.
Variant type: single nucleotide variant.
Coding change: c.3275C>T on transcript NM_001999.4 (MANE Select); coding-DNA position 3275, C replaced by T.
Protein change: p.Thr1092Ile; replaces threonine 1092 with isoleucine.
Molecular consequence: missense variant.
Genome position (GRCh38, 1-based): chr5:128,344,453, G>A on the plus strand (C>T on the coding strand, the complement: FBN2 is on the minus strand). VCF-style: chr5-128344453-G-A. GRCh37 (hg19) VCF-style: chr5-127680145-G-A.
Other names: short protein forms T1092I.
Identifiers: ClinVar variation 3342895 (VCV003342895.2).